The following is an entry in ClinVar:

ClinVar aggregate classification (germline): Uncertain significance. Review status: criteria provided, multiple submitters, no conflicts (2 of 4 stars). 3 submissions from 3 submitters: Uncertain significance (3). Last evaluated 2023-06-13.

Conditions:
Emery-Dreifuss muscular dystrophy 4, autosomal dominant (EDMD4). Also called: EMERY-DREIFUSS MUSCULAR DYSTROPHY 4 WITH VARIABLE FEATURES. Identifiers: Orphanet 261, MedGen C2751807, MONDO:0013071, OMIM 612998.
Autosomal recessive ataxia, Beauce type. Also called: SYNE1-Related Autosomal Recessive Cerebellar Ataxia; Spinocerebellar ataxia, autosomal recessive 8; ATAXIA, RECESSIVE, OF BEAUCE; SYNE1 Deficiency. Identifiers: Orphanet 88644, MedGen C1853116, MONDO:0012549, OMIM 610743.

Allele frequency attached by ClinVar (database versions not stated): gnomAD exomes below 0.00001; gnomAD 0.00001; TOPMed 0.00001.
gnomAD v4.1: 3 of 1,613,996 alleles (0.00019%); highest among the groups gnomAD compares: Non-Finnish European, 0.000085%; no homozygotes.

Submissions (3):

GeneDx
Classification: Uncertain significance. Last evaluated: 2023-06-13. Review status: criteria provided, single submitter. Criteria: GeneDx Variant Classification Process June 2021. Collection method: clinical testing. Allele origin: germline. Affected: yes.
Comment: Not observed at significant frequency in large population cohorts (gnomAD); In silico analysis supports that this missense variant has a deleterious effect on protein structure/function; Has not been previously published as pathogenic or benign to our knowledge

Athena Diagnostics
Classification: Uncertain significance. Last evaluated: 2022-08-24. Review status: criteria provided, single submitter. Criteria: Athena Diagnostics Criteria. Collection method: clinical testing. Allele origin: unknown.

Labcorp Genetics (formerly Invitae), Labcorp
Classification: Uncertain significance for Emery-Dreifuss muscular dystrophy 4, autosomal dominant; Autosomal recessive ataxia, Beauce type. Last evaluated: 2022-07-06. Review status: criteria provided, single submitter. Criteria: Invitae Variant Classification Sherloc (09022015). Collection method: clinical testing. Allele origin: germline.
Comment: In summary, the available evidence is currently insufficient to determine the role of this variant in disease. Therefore, it has been classified as a Variant of Uncertain Significance. Algorithms developed to predict the effect of missense changes on protein structure and function are either unavailable or do not agree on the potential impact of this missense change (SIFT: "Deleterious"; PolyPhen-2: "Possibly Damaging"; Align-GVGD: "Class C0"). ClinVar contains an entry for this variant (Variation ID: 1405834). This variant has not been reported in the literature in individuals affected with SYNE1-related conditions. This variant is present in population databases (no rsID available, gnomAD 0.004%). This sequence change replaces isoleucine, which is neutral and non-polar, with threonine, which is neutral and polar, at codon 7744 of the SYNE1 protein (p.Ile7744Thr).

NM_182961.4(SYNE1):c.23444T>C (p.Ile7815Thr)

Gene: SYNE1 (spectrin repeat containing nuclear envelope protein 1; minus strand). Cytogenetic location: 6q25.2.
Variant type: single nucleotide variant.
Coding change: c.23444T>C on transcript NM_182961.4 (MANE Select); coding-DNA position 23444, T replaced by C.
Protein change: p.Ile7815Thr; replaces isoleucine 7815 with threonine.
Molecular consequence: missense variant.
Genome position (GRCh38, 1-based): chr6:152,180,152, A>G on the plus strand (T>C on the coding strand, the complement: SYNE1 is on the minus strand). VCF-style: chr6-152180152-A-G. GRCh37 (hg19) VCF-style: chr6-152501287-A-G.
Other names: c.50T>C, p.Ile17Thr (NM_001347701.2); c.23231T>C, p.Ile7744Thr (NM_033071.5); c.23231T>C (NM_033071.3); short protein forms I7744T, I17T, I7815T.
Identifiers: ClinVar variation 1405834 (VCV001405834.10), dbSNP rs1391158473, ClinGen allele CA366091358.